The following is an entry in ClinVar:

NM_018272.5(DNAI7):c.1894-10_1894-3dup

Gene: DNAI7 (dynein axonemal intermediate chain 7; minus strand). Cytogenetic location: 12p12.1.
Variant type: Duplication.
Coding change: c.1894-10_1894-3dup on transcript NM_018272.5 (MANE Select); 10 bases into the intron before coding-DNA position 1894 through 3 bases into the intron before coding-DNA position 1894, 8 bases duplicated (TTTTTTTT; older notation c.1894-10_1894-3dupTTTTTTTT).
Molecular consequence: intron variant.
Genome position (GRCh38, 1-based): chr12:25,108,826-25,108,833, AAAAAAAA duplicated on the plus strand (TTTTTTTT on the coding strand, the reverse complement: DNAI7 is on the minus strand); duplicating any 8 consecutive bases within chr12:25,108,826-25,108,839 gives the same sequence; the c. name uses the placement nearest the transcript's 3' end. VCF-style (leftmost placement, unchanged base first): chr12-25108825-T-TAAAAAAAA. GRCh37 (hg19) VCF-style: chr12-25261759-T-TAAAAAAAA.
Other names: c.1558-10_1558-3dup (NM_001352064.2); c.1876-72_1876-65dup (NM_001352062.2); c.1876-10_1876-3dup (NM_001082973.3); c.1756-10_1756-3dup (NM_001319978.2, NM_001204102.3, NM_001352061.2); c.1576-10_1576-3dup (NM_001352063.2); c.2068-72_2068-65dup (NM_001082972.3); c.1438-10_1438-3dup (NM_001352066.2); c.1381-10_1381-3dup (NM_001352067.2); and 4 more.
Identifiers: ClinVar variation 2642790 (VCV002642790.24), dbSNP rs60370851, ClinGen allele CA686738614.

ClinVar aggregate classification (germline): Likely benign (1 of 4 stars; one submission).

Submission:

CeGaT Center for Human Genetics Tuebingen
Classification: Likely benign. Last evaluated: 2022-12-01. Review status: criteria provided, single submitter. Criteria: CeGaT Center For Human Genetics Tuebingen Variant Classification Criteria Version 2. Collection method: clinical testing. Allele origin: germline. Affected: yes. Observed: 1 variant allele.
Comment: DNAI7: BS2